The following is an entry in ClinVar:

ClinVar aggregate classification (germline): Uncertain significance. Review status: criteria provided, single submitter (1 of 4 stars). 2 submissions from 2 submitters: Uncertain significance (1). 1 of the submissions does not count toward it. Last evaluated 2023-10-25.

Conditions:
Hereditary nonpolyposis colorectal neoplasms. Identifiers: MedGen C0009405, MeSH D003123.

Allele frequency attached by ClinVar (database versions not stated): gnomAD exomes below 0.00001.
gnomAD v4.1: 1 of 1,574,906 alleles (0.000063%); highest among the groups gnomAD compares: Non-Finnish European, 0.000086%; no homozygotes.

Submissions (2):

Labcorp Genetics (formerly Invitae), Labcorp
Classification: Uncertain significance for Hereditary nonpolyposis colorectal neoplasms. Last evaluated: 2023-10-25. Review status: criteria provided, single submitter. Criteria: Invitae Variant Classification Sherloc (09022015). Collection method: clinical testing. Allele origin: germline.
Comment: This sequence change replaces lysine, which is basic and polar, with threonine, which is neutral and polar, at codon 1013 of the MSH6 protein (p.Lys1013Thr). This variant is not present in population databases (gnomAD no frequency). This missense change has been observed in individual(s) with colorectal cancer (PMID: 28466842). ClinVar contains an entry for this variant (Variation ID: 41592). Advanced modeling of protein sequence and biophysical properties (such as structural, functional, and spatial information, amino acid conservation, physicochemical variation, residue mobility, and thermodynamic stability) performed at Invitae indicates that this missense variant is not expected to disrupt MSH6 protein function with a negative predictive value of 95%. In summary, the available evidence is currently insufficient to determine the role of this variant in disease. Therefore, it has been classified as a Variant of Uncertain Significance.

Biesecker Lab/Clinical Genomics Section, National Institutes of Health
Classification: Uncertain significance. Last evaluated: 2012-07-13. Review status: no assertion criteria provided. Collection method: research. Allele origin: germline. Affected: no. Observed: 1 variant allele. Study: ClinSeq. Not counted in ClinVar's aggregate classification.
ClinVar note: Converted during submission from variant of unknown significance to Uncertain significance.

Literature cited by the submitters: PubMed 28466842 (cited by Labcorp Genetics (formerly Invitae), Labcorp).

NM_000179.3(MSH6):c.3038A>C (p.Lys1013Thr)

Gene: MSH6 (mutS homolog 6; plus strand). Cytogenetic location: 2p16.3.
Variant type: single nucleotide variant.
Coding change: c.3038A>C on transcript NM_000179.3 (MANE Select); coding-DNA position 3038, A replaced by C.
Protein change: p.Lys1013Thr; replaces lysine 1013 with threonine.
Molecular consequence: missense variant.
Genome position (GRCh38, 1-based): chr2:47,801,021, A>C. VCF-style: chr2-47801021-A-C. GRCh37 (hg19) VCF-style: chr2-48028160-A-C.
Other names: c.2648A>C, p.Lys883Thr (NM_001281492.2); c.2132A>C, p.Lys711Thr (NM_001281493.2, NM_001281494.2); short protein forms K1013T, K711T, K883T.
Identifiers: ClinVar variation 41592 (VCV000041592.10), dbSNP rs200837944, ClinGen allele CA011420.
Genomic context (GRCh38, chr2:47,801,021, plus strand): 5'-AATACGAGTTGAAATCTACCAAGAAGGGCTGTAAACGATACTGGACCAAAACTATTGAAA[A>C]GAAGTTGGCTAATCTCATAAATGCTGAAGAACGGAGGGATGTATCATTGAAGGACTGCAT-3'
Protein context (NP_000170.1, residues 1003-1023): CKRYWTKTIE[Lys1013Thr]KLANLINAEE